The following is an entry in ClinVar:

NM_001365276.2(TNXB):c.9970C>G (p.Arg3324Gly)

Gene: TNXB (tenascin XB; minus strand). Cytogenetic location: 6p21.33.
Variant type: single nucleotide variant.
Coding change: c.9970C>G on transcript NM_001365276.2 (MANE Select); coding-DNA position 9970, C replaced by G.
Protein change: p.Arg3324Gly; replaces arginine 3324 with glycine.
Molecular consequence: missense variant.
Genome position (GRCh38, 1-based): chr6:32,048,438, G>C on the plus strand (C>G on the coding strand, the complement: TNXB is on the minus strand). VCF-style: chr6-32048438-G-C. GRCh37 (hg19) VCF-style: chr6-32016215-G-C.
Other names: c.10711C>G, p.Arg3571Gly (NM_001428335.1); c.9964C>G, p.Arg3322Gly (NM_019105.8); short protein forms R3324G, R3571G, R3322G.
Identifiers: ClinVar variation 3180937 (VCV003180937.2), dbSNP rs768943895, ClinGen allele CA3733355.

ClinVar aggregate classification (germline): Uncertain significance (1 of 4 stars; one submission).

Conditions:
Cardiovascular phenotype. Identifiers: MedGen CN230736.

gnomAD v4.1: 35 of 1,575,024 alleles (0.0022%); highest among the groups gnomAD compares: Non-Finnish European, 0.0027%; no homozygotes.

Submission:

Ambry Genetics
Classification: Uncertain significance for Cardiovascular phenotype. Last evaluated: 2024-07-07. Review status: criteria provided, single submitter. Criteria: Ambry Variant Classification Scheme 2023. Collection method: clinical testing. Allele origin: germline.
Comment: The p.R3322G variant (also known as c.9964C>G), located in coding exon 28 of the TNXB gene, results from a C to G substitution at nucleotide position 9964. The arginine at codon 3322 is replaced by glycine, an amino acid with dissimilar properties. This amino acid position is conserved. In addition, this alteration is predicted to be tolerated by in silico analysis. Based on the available evidence, the clinical significance of this variant remains unclear.